The following is an entry in ClinVar:

NM_015330.6(SPECC1L):c.1382G>A (p.Arg461Gln)

Genes: SPECC1L (sperm antigen with calponin homology and coiled-coil domains 1 like; plus strand), SPECC1L-ADORA2A (SPECC1L-ADORA2A readthrough (NMD candidate); plus strand). Cytogenetic location: 22q11.23.
Variant type: single nucleotide variant.
Coding change: c.1382G>A on transcript NM_015330.6 (MANE Select); coding-DNA position 1382, G replaced by A.
Protein change: p.Arg461Gln; replaces arginine 461 with glutamine.
Molecular consequence: missense variant. On other transcripts: non-coding transcript variant (1).
Genome position (GRCh38, 1-based): chr22:24,322,362, G>A. VCF-style: chr22-24322362-G-A. GRCh37 (hg19) VCF-style: chr22-24718330-G-A.
Other names: c.1382G>A, p.Arg461Gln (NM_001145468.4, NM_001254732.3); short protein forms R461Q.
Identifiers: ClinVar variation 561340 (VCV000561340.3), dbSNP rs1169891186, ClinGen allele CA410968779.

ClinVar aggregate classification (germline): Uncertain significance. Review status: criteria provided, single submitter (1 of 4 stars). 2 submissions from 2 submitters: Uncertain significance (1). 1 of the submissions does not count toward it. Last evaluated 2020-11-10.

Conditions:
Teebi hypertelorism syndrome. Identifiers: Orphanet 1519, MedGen C0796179, MONDO:0030639.

Allele frequency attached by ClinVar (database versions not stated): gnomAD 0.00001; gnomAD exomes 0.00001 and 0.00003; TOPMed 0.00002.

Submissions (2):

Women's Health and Genetics/Laboratory Corporation of America, LabCorp
Classification: Uncertain significance. Last evaluated: 2020-11-10. Review status: criteria provided, single submitter. Criteria: LabCorp Variant Classification Summary - May 2015. Collection method: clinical testing. Allele origin: germline.
Comment: Variant summary: SPECC1L c.1382G>A (p.Arg461Gln) results in a conservative amino acid change in the encoded protein sequence. Four of five in-silico tools predict a benign effect of the variant on protein function. The variant allele was found at a frequency of 1.2e-05 in 251390 control chromosomes. c.1382G>A has been reported at least once in the literature as a de-novo mutation in an individual with hypertelorism, a broad prominent nasal root and bridge, swallowing difficulties, and mild language delay (Bhoj_2019). These data do not allow any conclusion about variant significance. To our knowledge, no experimental evidence demonstrating an impact on protein function has been reported. One ClinVar submitter (evaluation after 2014) cited the variant as Likely Pathogenic. Based on the evidence outlined above, until additional information becomes available, the variant was classified as uncertain significance.

Dept of Genetics, Assistance Publique-Hôpitaux de Paris (APHP) - R DEBRE University Hospital
Classification: Likely pathogenic for Teebi hypertelorism syndrome 1. Last evaluated: 2018-06-01. Review status: no assertion criteria provided. Collection method: clinical testing. Allele origin: de novo. Affected: yes. Observed: 1 heterozygote. Segregation with disease not observed. Not counted in ClinVar's aggregate classification.

Literature cited by the submitters: PubMed 30472488 (cited by Women's Health and Genetics/Laboratory Corporation of America, LabCorp); PubMed 31953237 (cited by Women's Health and Genetics/Laboratory Corporation of America, LabCorp).